The following is an entry in ClinVar:

ClinVar aggregate classification (germline): Uncertain significance (1 of 4 stars; one submission).

gnomAD v4.1: 1 of 1,613,872 alleles (0.000062%); highest among the groups gnomAD compares: Non-Finnish European, 0.000085%; no homozygotes.

Submission:

Ambry Genetics
Classification: Uncertain significance. Last evaluated: 2025-03-19. Review status: criteria provided, single submitter. Criteria: Ambry Variant Classification Scheme 2023. Collection method: clinical testing. Allele origin: germline.
Comment: The p.G96S variant (also known as c.286G>A), located in coding exon 3 of the RAD51B gene, results from a G to A substitution at nucleotide position 286. The glycine at codon 96 is replaced by serine, an amino acid with similar properties. This amino acid position is conserved. In addition, this alteration is predicted to be deleterious by in silico analysis. Based on the available evidence, the clinical significance of this variant remains unclear.

NM_133510.4(RAD51B):c.286G>A (p.Gly96Ser)

Gene: RAD51B (RAD51 paralog B; plus strand). Cytogenetic location: 14q24.1.
Variant type: single nucleotide variant.
Coding change: c.286G>A on transcript NM_133510.4 (MANE Select); coding-DNA position 286, G replaced by A.
Protein change: p.Gly96Ser; replaces glycine 96 with serine.
Molecular consequence: missense variant. On other transcripts: 5 prime UTR variant (1).
Genome position (GRCh38, 1-based): chr14:67,835,167, G>A. VCF-style: chr14-67835167-G-A. GRCh37 (hg19) VCF-style: chr14-68301884-G-A.
Other names: c.286G>A, p.Gly96Ser (NM_001321809.2, NM_001321810.2, NM_001321812.1 and 6 more transcripts); c.172G>A, p.Gly58Ser (NM_001321815.1); c.-170G>A (NM_001321817.2); short protein forms G96S, G58S.
Identifiers: ClinVar variation 3942268 (VCV003942268.1).